The following is an entry in ClinVar:

ClinVar aggregate classification (germline): Uncertain significance (1 of 4 stars; one submission).

Allele frequency attached by ClinVar (database versions not stated): ESP Exome Variant Server 0.00008.

Submission:

GeneDx
Classification: Uncertain significance. Last evaluated: 2019-08-20. Review status: criteria provided, single submitter. Criteria: GeneDx Variant Classification Process June 2021. Collection method: clinical testing. Allele origin: germline. Affected: yes.
Comment: In silico analysis, which includes splice predictors and evolutionary conservation, supports a deleterious effect; In silico analysis, which includes protein predictors and evolutionary conservation, supports that this variant does not alter protein structure/function; Has not been previously published as pathogenic or benign to our knowledge

NM_138927.4(SON):c.1487C>A (p.Ala496Glu)

Genes: MIR6501 (microRNA 6501; plus strand), SON (SON DNA and RNA binding protein; plus strand). Cytogenetic location: 21q22.11.
Variant type: single nucleotide variant.
Coding change: c.1487C>A on transcript NM_138927.4 (MANE Select); coding-DNA position 1487, C replaced by A.
Protein change: p.Ala496Glu; replaces alanine 496 with glutamic acid.
Molecular consequence: missense variant. On other transcripts: non-coding transcript variant (2), intron variant (1).
Genome position (GRCh38, 1-based): chr21:33,550,718, C>A. VCF-style: chr21-33550718-C-A. GRCh37 (hg19) VCF-style: chr21-34923024-C-A.
Other names: c.1487C>A, p.Ala496Glu (NM_001291411.2, NM_032195.3); c.244+4339C>A (NM_001291412.3); short protein forms A496E.
Identifiers: ClinVar variation 1308100 (VCV001308100.2), dbSNP rs376954101, ClinGen allele CA10008905.